The following is an entry in ClinVar:

ClinVar aggregate classification (germline): Pathogenic (1 of 4 stars; one submission).

Conditions:
Epilepsy, familial focal, with variable foci 1 (FFEVF1). Also called: DEPDC5-Related Epilepsy. Identifiers: MedGen C4551983, MONDO:0024556, OMIM 604364.

Submission:

Women's Health and Genetics/Laboratory Corporation of America, LabCorp
Classification: Pathogenic for Epilepsy, familial focal, with variable foci 1. Last evaluated: 2024-06-19. Review status: criteria provided, single submitter. Criteria: LabCorp Variant Classification Summary - May 2015. Collection method: clinical testing. Allele origin: germline.
Comment: Variant summary: The variant involves the deletion of partial exon 12- exon 15 in the NPRL3 gene. A presumed nomenclature of c.1323_(*1320_?)del has been designated for the purposes of this classification. The exact breakpoint at the distal 3' end of this variant is unknown, therefore this deletion may extend downstream of the annotated region of the gene. As it encompasses the termination codon, it is predicted to escape nonsense mediated decay (NMD). At-least one truncating variant has been evaluated PATH in ClinVar (c.1514_1518delinsTTCTGGGGCT (p.Gln505fs). The variant was absent in 21694 control chromosomes (gnomAD SV database v2). To our knowledge, no occurrence of c.1323_(*1320_?)del in individuals affected with Epilepsy, Familial Focal, With Variable Foci 1 and no experimental evidence demonstrating its impact on protein function have been reported. A larger deletion of 16p13. including ex. 6-15 of NPRL3, POLR3K, SNRNP25, RHBDF1 and MPG was reported in a patient with early onset epilpesy (PMID 34953286). No submitters have cited clinical-significance assessments for this variant to ClinVar. Based on the evidence outlined above, the variant was classified as pathogenic.

NC_000016.9:g.(?_135384)_139739del

Genes: MPG (N-methylpurine DNA glycosylase; plus strand), NPRL3 (NPR3 like, GATOR1 complex subunit; minus strand). Cytogenetic location: 16p13.3.
Variant type: Deletion.
Identifiers: ClinVar variation 3339966 (VCV003339966.1).